The following is an entry in ClinVar:

NM_002890.3(RASA1):c.1373A>C (p.Glu458Ala)

Genes: CCNH (cyclin H; minus strand), RASA1 (RAS p21 protein activator 1; plus strand). Cytogenetic location: 5q14.3.
Variant type: single nucleotide variant.
Coding change: c.1373A>C on transcript NM_002890.3 (MANE Select); coding-DNA position 1373, A replaced by C.
Protein change: p.Glu458Ala; replaces glutamic acid 458 with alanine.
Molecular consequence: missense variant. On other transcripts: intron variant (1).
Genome position (GRCh38, 1-based): chr5:87,362,591, A>C. VCF-style: chr5-87362591-A-C. GRCh37 (hg19) VCF-style: chr5-86658408-A-C.
Other names: c.842A>C, p.Glu281Ala (NM_022650.3); c.933+32453T>G (NM_001364075.2); short protein forms E281A, E458A.
Identifiers: ClinVar variation 1373468 (VCV001373468.10), dbSNP rs772447424, ClinGen allele CA3335735.

ClinVar aggregate classification (germline): Uncertain significance. Review status: criteria provided, multiple submitters, no conflicts (2 of 4 stars). 2 submissions from 2 submitters: Uncertain significance (2). Last evaluated 2025-07-22.

Conditions:
Cardiovascular phenotype. Identifiers: MedGen CN230736.
Capillary malformation-arteriovenous malformation syndrome. Also called: Capillary malformation-arteriovenous malformation. Identifiers: Orphanet 137667, MedGen C1842180, MONDO:0012016.

Allele frequency attached by ClinVar (database versions not stated): ExAC 0.00001; gnomAD exomes 0.00001 and 0.00002; gnomAD 0.00003 and 0.00004; TOPMed 0.00006.
gnomAD v4.1: 29 of 1,596,678 alleles (0.0018%); highest among the groups gnomAD compares: African/African-American, 0.004%; no homozygotes.

Submissions (2):

Labcorp Genetics (formerly Invitae), Labcorp
Classification: Uncertain significance for Capillary malformation-arteriovenous malformation syndrome. Last evaluated: 2025-07-22. Review status: criteria provided, single submitter. Criteria: Invitae Variant Classification Sherloc (09022015). Collection method: clinical testing. Allele origin: germline.
Comment: This sequence change replaces glutamic acid, which is acidic and polar, with alanine, which is neutral and non-polar, at codon 458 of the RASA1 protein (p.Glu458Ala). This variant is present in population databases (rs772447424, gnomAD 0.004%). This variant has not been reported in the literature in individuals affected with RASA1-related conditions. ClinVar contains an entry for this variant (Variation ID: 1373468). An algorithm developed to predict the effect of missense changes on protein structure and function (PolyPhen-2) suggests that this variant is likely to be disruptive. In summary, the available evidence is currently insufficient to determine the role of this variant in disease. Therefore, it has been classified as a Variant of Uncertain Significance.

Ambry Genetics
Classification: Uncertain significance for Cardiovascular phenotype. Last evaluated: 2024-08-20. Review status: criteria provided, single submitter. Criteria: Ambry Variant Classification Scheme 2023. Collection method: clinical testing. Allele origin: germline.